The following is an entry in ClinVar:

ClinVar aggregate classification (germline): Likely pathogenic. Review status: criteria provided, single submitter (1 of 4 stars). 2 submissions from 2 submitters: Likely pathogenic (1). 1 of the submissions does not count toward it. Last evaluated 2024-04-18.

Conditions:
Neurodevelopmental disorder with regression, abnormal movements, loss of speech, and seizures. Identifiers: Orphanet 597623, MedGen C4748127, MONDO:0060759, OMIM 618088.

Submissions (2):

Diagnostics Services (NGS), CSIR - Centre For Cellular And Molecular Biology
Classification: Likely pathogenic for Neurodevelopmental disorder with regression, abnormal movements, loss of speech, and seizures. Last evaluated: 2024-04-18. Review status: criteria provided, single submitter. Criteria: ACMG Guidelines, 2015. Collection method: clinical testing. Allele origin: unknown. Affected: yes. Observed: 1 variant allele, 1 heterozygote.
Comment: The c.320_321insGC variant is not present in publicly available population databases like 1000 Genomes, EVS, ExAC, Indian Exome Database or our in-house exome database. The variant present is present in the gnomAD database at a low frequency. This variant has neither been published in the literature with IRF2BPL-related conditions nor reported to the clinical databases like ClinVar, Human Genome Mutation Database (HGMD) or OMIM, in any affected individuals. In-silico pathogenicity prediction programs like MutationTaster2, CADD, Varsome, Franklin etc predicted the c.320_321insGC variant to be likely deleterious. This variant causes frameshift at the 108th amino acid position of the wild-type transcript which creates a premature translational stop signal at the altered transcript that may either result in translation of truncated protein or cause nonsense mediated decay of the mRNA.

Hong-Tao Li Lab, Institute of Brain Science and Brain-inspired Research, Shandong First Medical University & Shandong Academy of Medical Sciences China
Classification: Likely pathogenic for Neurodevelopmental disorder with regression, abnormal movements, loss of speech, and seizures. Review status: no assertion criteria provided. Collection method: research. Allele origin: germline. Inheritance: Autosomal dominant inheritance. Affected: yes. Observed: 1 variant allele, 1 heterozygote. Not counted in ClinVar's aggregate classification.
Comment: Observed in affected individuals from a Pakistani neurodevelopmental-disorder research cohort of 263 individuals. Classification assigned using the ACMG/AMP framework. Population-frequency evidence: gnomAD AF 2.231e-05.

NM_024496.4(IRF2BPL):c.320_321insGC (p.Gln108fs)

Genes: IRF2BPL (interferon regulatory factor 2 binding protein like; minus strand), LOC107984638 (uncharacterized LOC107984638; plus strand). Cytogenetic location: 14q24.3.
Variant type: Insertion.
Coding change: c.320_321insGC on transcript NM_024496.4 (MANE Select); coding-DNA positions 320 to 321, GC inserted.
Protein change: p.Gln108fs; shifts the reading frame from glutamine 108.
Molecular consequence: frameshift variant.
Genome position: GRCh38 VCF-style: chr14-77027472-T-TGC. GRCh37 (hg19) VCF-style: chr14-77493815-T-TGC.
Other names: short protein forms Q108fs.
Identifiers: ClinVar variation 3251965 (VCV003251965.2), dbSNP rs769617896.